The following is an entry in ClinVar:

NM_024675.4(PALB2):c.1205_1206delinsGC (p.Leu402Arg)

Gene: PALB2 (partner and localizer of BRCA2; minus strand). Cytogenetic location: 16p12.2.
Variant type: Indel.
Coding change: c.1205_1206delinsGC on transcript NM_024675.4 (MANE Select); coding-DNA positions 1205 to 1206, TT replaced by GC.
Protein change: p.Leu402Arg; replaces leucine 402 with arginine.
Molecular consequence: missense variant.
Genome position (GRCh38, 1-based): chr16:23,635,340-23,635,341, AA replaced by GC on the plus strand (TT replaced by GC on the coding strand, the reverse complement: PALB2 is on the minus strand). VCF-style: chr16-23635340-AA-GC. GRCh37 (hg19) VCF-style: chr16-23646661-AA-GC.
Other names: c.1145_1146delTTinsGC, p.Leu382Arg (NM_001407296.1); c.1205_1206delTTinsGC, p.Leu402Arg (NM_001407297.1, NM_001407298.1, NM_001407299.1 and 3 more transcripts); c.320_321delTTinsGC, p.Leu107Arg (NM_001407304.1, NM_001407305.1, NM_001407306.1 and 5 more transcripts); short protein forms L402R, L107R, L382R.
Identifiers: ClinVar variation 1748501 (VCV001748501.2), dbSNP rs2506485354, ClinGen allele CA2580091299.

ClinVar aggregate classification (germline): Uncertain significance (1 of 4 stars; one submission).

Conditions:
Hereditary cancer-predisposing syndrome. Also called: Hereditary Cancer Syndrome; Hereditary neoplastic syndrome; Neoplastic Syndromes, Hereditary; Tumor predisposition. Identifiers: Orphanet 140162, MedGen C0027672, MeSH D009386, MONDO:0015356.

Submission:

Ambry Genetics
Classification: Uncertain significance for Hereditary cancer-predisposing syndrome. Last evaluated: 2021-12-13. Review status: criteria provided, single submitter. Criteria: Ambry Variant Classification Scheme 2023. Collection method: clinical testing. Allele origin: germline.
Comment: The c.1205_1206delTTinsGC variant, located in coding exon 4 of the PALB2 gene, results from an in-frame deletion of TT and insertion of GC at nucleotide positions 1205 to 1206. This results in the substitution of the leucine residue for an arginine residue at codon 402, an amino acid with dissimilar properties. This amino acid position is highly conserved in available vertebrate species. In addition, the in silico prediction for this alteration is inconclusive (Choi Y et al. PLoS ONE. 2012; 7(10):e46688). Since supporting evidence is limited at this time, the clinical significance of this alteration remains unclear.